The following is an entry in ClinVar:

NM_024598.4(USB1):c.674A>G (p.Gln225Arg)

Gene: USB1 (U6 snRNA biogenesis phosphodiesterase 1; plus strand). Cytogenetic location: 16q21.
Variant type: single nucleotide variant.
Coding change: c.674A>G on transcript NM_024598.4 (MANE Select); coding-DNA position 674, A replaced by G.
Protein change: p.Gln225Arg; replaces glutamine 225 with arginine.
Molecular consequence: missense variant.
Genome position (GRCh38, 1-based): chr16:58,019,036, A>G. VCF-style: chr16-58019036-A-G. GRCh37 (hg19) VCF-style: chr16-58052940-A-G.
Other names: c.620A>G, p.Gln207Arg (NM_001195302.2); c.521A>G, p.Gln174Arg (NM_001330568.2); short protein forms Q225R, Q207R, Q174R.
Identifiers: ClinVar variation 4827064 (VCV004827064.1).
Genomic context (GRCh38, chr16:58,019,036, plus strand): 5'-CTTCTTTCCACCTCAGCCTGGCCTGGTGTGTGGGTGATGCACGTCTCCAGCTGGAGGGGC[A>G]GTGCCTGCAGGAACTACAGGTGAATTTCCAGGGCGGGAGCACAGAGGGCGCTGAACTCCA-3'
Protein context (NP_078874.2, residues 215-235): VGDARLQLEG[Gln225Arg]CLQELQAIVD

ClinVar aggregate classification (germline): Uncertain significance (1 of 4 stars; one submission).

Conditions:
Inborn genetic diseases. Identifiers: MedGen C0950123, MeSH D030342.

gnomAD v4.1: 3 of 1,614,160 alleles (0.00019%); highest among the groups gnomAD compares: Non-Finnish European, 0.00025%; no homozygotes.

Submission:

Ambry Genetics
Classification: Uncertain significance for Inborn genetic diseases. Last evaluated: 2026-03-04. Review status: criteria provided, single submitter. Criteria: Ambry Variant Classification Scheme 2023. Collection method: clinical testing. Allele origin: germline.
Comment: The p.Q225R variant (also known as c.674A>G), located in coding exon 6 of the USB1 gene, results from an A to G substitution at nucleotide position 674. The glutamine at codon 225 is replaced by arginine, an amino acid with highly similar properties. This amino acid position is conserved. In addition, this alteration is predicted to be tolerated by in silico analysis. Based on the available evidence, the clinical significance of this variant remains unclear.